The following is an entry in ClinVar:

NM_001556.3(IKBKB):c.1439A>G (p.Lys480Arg)

Gene: IKBKB (inhibitor of nuclear factor kappa B kinase subunit beta; plus strand). Cytogenetic location: 8p11.21.
Variant type: single nucleotide variant.
Coding change: c.1439A>G on transcript NM_001556.3 (MANE Select); coding-DNA position 1439, A replaced by G.
Protein change: p.Lys480Arg; replaces lysine 480 with arginine.
Molecular consequence: missense variant. On other transcripts: non-coding transcript variant (3).
Genome position (GRCh38, 1-based): chr8:42,319,344, A>G. VCF-style: chr8-42319344-A-G. GRCh37 (hg19) VCF-style: chr8-42176862-A-G.
Other names: c.1247A>G, p.Lys416Arg (NM_001190720.3); c.1262A>G, p.Lys421Arg (NM_001242778.2); short protein forms K421R, K480R, K416R.
Identifiers: ClinVar variation 2162842 (VCV002162842.1), dbSNP rs777177935, ClinGen allele CA4732001.

ClinVar aggregate classification (germline): Uncertain significance (1 of 4 stars; one submission).

Conditions:
Severe combined immunodeficiency due to IKK2 deficiency. Also called: IMMUNODEFICIENCY 15B; Immunodeficiency 15. Identifiers: Orphanet 397787, MedGen C4747743, MONDO:0014267, OMIM 615592.

Allele frequency attached by ClinVar (database versions not stated): TOPMed below 0.00001; gnomAD 0.00001; ExAC 0.00002.
gnomAD v4.1: 1 of 1,614,086 alleles (0.000062%); highest among the groups gnomAD compares: East Asian, 0.0022%; no homozygotes.

Submission:

Labcorp Genetics (formerly Invitae), Labcorp
Classification: Uncertain significance for Severe combined immunodeficiency due to IKK2 deficiency. Last evaluated: 2022-09-01. Review status: criteria provided, single submitter. Criteria: Invitae Variant Classification Sherloc (09022015). Collection method: clinical testing. Allele origin: germline.
Comment: This sequence change replaces lysine, which is basic and polar, with arginine, which is basic and polar, at codon 480 of the IKBKB protein (p.Lys480Arg). This variant is present in population databases (rs777177935, gnomAD 0.01%). This variant has not been reported in the literature in individuals affected with IKBKB-related conditions. Advanced modeling of protein sequence and biophysical properties (such as structural, functional, and spatial information, amino acid conservation, physicochemical variation, residue mobility, and thermodynamic stability) performed at Invitae indicates that this missense variant is not expected to disrupt IKBKB protein function. In summary, the available evidence is currently insufficient to determine the role of this variant in disease. Therefore, it has been classified as a Variant of Uncertain Significance.